The following is an entry in ClinVar:

ClinVar aggregate classification (germline): Benign. Review status: criteria provided, multiple submitters, no conflicts (2 of 4 stars). 2 submissions from 2 submitters: Benign (2). Last evaluated 2018-01-13.

Conditions:
Hereditary sensory and autonomic neuropathy with spastic paraplegia (HSNSP). Identifiers: Orphanet 139578, MedGen C1850395, MONDO:0009748, OMIM 256840.

Allele frequency attached by ClinVar (database versions not stated): 1000 Genomes Project 30x 0.01765; 1000 Genomes Project 0.01797; gnomAD 0.02779 and 0.02833; TOPMed 0.03054; gnomAD exomes 0.06250.
gnomAD v4.1: 4,228 of 152,222 alleles (2.8%); highest among the groups gnomAD compares: Middle Eastern, 5.8%; 68 homozygotes.

Submissions (2):

Illumina Laboratory Services, Illumina
Classification: Benign for Hereditary sensory and autonomic neuropathy with spastic paraplegia. Last evaluated: 2018-01-13. Review status: criteria provided, single submitter. Criteria: ICSL Variant Classification Criteria 13 December 2019. Collection method: clinical testing. Allele origin: germline.
Comment: This variant was observed in the ICSL laboratory as part of a predisposition screen in an ostensibly healthy population. It had not been previously curated by ICSL or reported in the Human Gene Mutation Database (HGMD: prior to June 1st, 2018), and was therefore a candidate for classification through an automated scoring system. Utilizing variant allele frequency, disease prevalence and penetrance estimates, and inheritance mode, an automated score was calculated to assess if this variant is too frequent to cause the disease. Based on the score and internal cut-off values, a variant classified as benign is not then subjected to further curation. The score for this variant resulted in a classification of benign for this disease.

Breakthrough Genomics
Classification: Benign. Review status: criteria provided, single submitter. Criteria: ACMG Guidelines, 2015. Collection method: not provided. Allele origin: germline. Inheritance: Autosomal recessive inheritance. Affected: yes.

NM_012073.5(CCT5):c.*856A>C

Gene: CCT5 (chaperonin containing TCP1 subunit 5; plus strand). Cytogenetic location: 5p15.2.
Variant type: single nucleotide variant.
Coding change: c.*856A>C on transcript NM_012073.5 (MANE Select); 856 bases downstream of the stop codon, A replaced by C.
Molecular consequence: 3 prime UTR variant.
Genome position (GRCh38, 1-based): chr5:10,265,639, A>C. VCF-style: chr5-10265639-A-C. GRCh37 (hg19) VCF-style: chr5-10265751-A-C.
Other names: c.*856A>C (NM_001306153.1, NM_001306154.2, NM_001306155.2 and 1 more transcripts).
Identifiers: ClinVar variation 907172 (VCV000907172.5), dbSNP rs72738998, ClinGen allele CA11920623.